The following is an entry in ClinVar:

ClinVar aggregate classification (germline): Uncertain significance. Review status: criteria provided, multiple submitters, no conflicts (2 of 4 stars). 2 submissions from 2 submitters: Uncertain significance (2). Last evaluated 2025-08-08.

Allele frequency attached by ClinVar (database versions not stated): ExAC 0.00001; TOPMed 0.00001; gnomAD 0.00002.
gnomAD v4.1: 8 of 1,612,202 alleles (0.0005%); highest among the groups gnomAD compares: Admixed American, 0.0033%; no homozygotes.

Submissions (2):

Ambry Genetics
Classification: Uncertain significance. Last evaluated: 2025-08-08. Review status: criteria provided, single submitter. Criteria: Ambry Variant Classification Scheme 2023. Collection method: clinical testing. Allele origin: germline.

Labcorp Genetics (formerly Invitae), Labcorp
Classification: Uncertain significance. Last evaluated: 2024-07-30. Review status: criteria provided, single submitter. Criteria: Invitae Variant Classification Sherloc (09022015). Collection method: clinical testing. Allele origin: germline.
Comment: This sequence change replaces tyrosine, which is neutral and polar, with histidine, which is basic and polar, at codon 439 of the CCT2 protein (p.Tyr439His). This variant is present in population databases (rs779603126, gnomAD 0.003%). This variant has not been reported in the literature in individuals affected with CCT2-related conditions. An algorithm developed to predict the effect of missense changes on protein structure and function (PolyPhen-2) suggests that this variant is likely to be disruptive. In summary, the available evidence is currently insufficient to determine the role of this variant in disease. Therefore, it has been classified as a Variant of Uncertain Significance.

NM_006431.3(CCT2):c.1315T>C (p.Tyr439His)

Gene: CCT2 (chaperonin containing TCP1 subunit 2; plus strand). Cytogenetic location: 12q15.
Variant type: single nucleotide variant.
Coding change: c.1315T>C on transcript NM_006431.3 (MANE Select); coding-DNA position 1315, T replaced by C.
Protein change: p.Tyr439His; replaces tyrosine 439 with histidine.
Molecular consequence: missense variant.
Genome position (GRCh38, 1-based): chr12:69,598,051, T>C. VCF-style: chr12-69598051-T-C. GRCh37 (hg19) VCF-style: chr12-69991831-T-C.
Other names: c.1174T>C, p.Tyr392His (NM_001198842.2); c.1315T>C (NM_006431.2); short protein forms Y392H, Y439H.
Identifiers: ClinVar variation 2807294 (VCV002807294.4), dbSNP rs779603126, ClinGen allele CA6680828.